The following is an entry in ClinVar:

ClinVar aggregate classification (germline): Uncertain significance (1 of 4 stars; one submission).

Allele frequency attached by ClinVar (database versions not stated): ExAC 0.00001; gnomAD 0.00001; 1000 Genomes Project 30x 0.00016; 1000 Genomes Project 0.00020.
gnomAD v4.1: 1 of 1,614,088 alleles (0.000062%); highest among the groups gnomAD compares: East Asian, 0.0022%; no homozygotes.

Submission:

Ambry Genetics
Classification: Uncertain significance. Last evaluated: 2024-12-14. Review status: criteria provided, single submitter. Criteria: Ambry Variant Classification Scheme 2023. Collection method: clinical testing. Allele origin: germline.
Comment: The p.M693V variant (also known as c.2077A>G), located in coding exon 1 of the MLH3 gene, results from an A to G substitution at nucleotide position 2077. The methionine at codon 693 is replaced by valine, an amino acid with highly similar properties. This amino acid position is conserved. In addition, this alteration is predicted to be tolerated by in silico analysis. Since supporting evidence is limited at this time, the clinical significance of this alteration remains unclear.

NM_001040108.2(MLH3):c.2077A>G (p.Met693Val)

Gene: MLH3 (mutL homolog 3; minus strand). Cytogenetic location: 14q24.3.
Variant type: single nucleotide variant.
Coding change: c.2077A>G on transcript NM_001040108.2 (MANE Select); coding-DNA position 2077, A replaced by G.
Protein change: p.Met693Val; replaces methionine 693 with valine.
Molecular consequence: missense variant.
Genome position (GRCh38, 1-based): chr14:75,047,579, T>C on the plus strand (A>G on the coding strand, the complement: MLH3 is on the minus strand). VCF-style: chr14-75047579-T-C. GRCh37 (hg19) VCF-style: chr14-75514282-T-C.
Other names: c.2077A>G, p.Met693Val (NM_014381.3); short protein forms M693V.
Identifiers: ClinVar variation 1785474 (VCV001785474.3), dbSNP rs74351956, ClinGen allele CA7275764.